The following is an entry in ClinVar:

ClinVar aggregate classification (germline): Likely benign. Review status: criteria provided, multiple submitters, no conflicts (2 of 4 stars). 3 submissions from 3 submitters: Likely benign (3). Last evaluated 2026-01-17.

Conditions:
Marfan syndrome (MFS). Also called: MARFAN SYNDROME, TYPE I; Marfan syndrome type 1; Marfan's syndrome; Marfan syndrome, classic; FBN1-Related Marfan Syndrome. Identifiers: Orphanet 284963, Orphanet 558, MedGen C0024796, MONDO:0007947, OMIM 154700.
Familial thoracic aortic aneurysm and aortic dissection (TAAD). Also called: Thoracic aortic aneurysms and dissections. Identifiers: Orphanet 91387, MedGen C4707243, MONDO:0019625.

Allele frequency attached by ClinVar (database versions not stated): TOPMed below 0.00001; ExAC 0.00001; gnomAD exomes 0.00001.
gnomAD v4.1: 12 of 1,614,088 alleles (0.00074%); highest among the groups gnomAD compares: South Asian, 0.013%; no homozygotes.

Submissions (3):

Labcorp Genetics (formerly Invitae), Labcorp
Classification: Likely benign for Marfan syndrome; Familial thoracic aortic aneurysm and aortic dissection. Last evaluated: 2026-01-17. Review status: criteria provided, single submitter. Criteria: Invitae Variant Classification Sherloc (09022015). Collection method: clinical testing. Allele origin: germline.

Women's Health and Genetics/Laboratory Corporation of America, LabCorp
Classification: Likely benign. Last evaluated: 2025-04-23. Review status: criteria provided, single submitter. Criteria: LabCorp Variant Classification Summary - May 2015. Collection method: clinical testing. Allele origin: germline.

All of Us Research Program, National Institutes of Health
Classification: Likely benign for Marfan syndrome. Last evaluated: 2023-09-05. Review status: criteria provided, single submitter. Criteria: ACMG Guidelines, 2015. Collection method: clinical testing. Allele origin: germline. Inheritance: Autosomal dominant inheritance. Observed: 2 variant alleles, 2 heterozygotes.
Comment: This study involves interpretation of variants in research participants for the purpose of population health screening. Participant phenotype was not available at the time of variant classification. Additional details can be found in publication PMID: 35346344, PMCID: PMC8962531

NM_000138.5(FBN1):c.989-8G>A

Genes: FBN1 (fibrillin 1; minus strand), LOC113939944 (Sharpr-MPRA regulatory region 9539; plus strand). Cytogenetic location: 15q21.1.
Variant type: single nucleotide variant.
Coding change: c.989-8G>A on transcript NM_000138.5 (MANE Select); 8 bases into the intron before coding-DNA position 989, G replaced by A.
Molecular consequence: intron variant.
Genome position (GRCh38, 1-based): chr15:48,520,825, C>T on the plus strand (G>A on the coding strand, the complement: FBN1 is on the minus strand). VCF-style: chr15-48520825-C-T. GRCh37 (hg19) VCF-style: chr15-48813022-C-T.
Identifiers: ClinVar variation 2157037 (VCV002157037.8), dbSNP rs770623114, ClinGen allele CA060570.